The following is an entry in ClinVar:

NM_024884.3(L2HGDH):c.1099T>C (p.Tyr367His)

Gene: L2HGDH (L-2-hydroxyglutarate dehydrogenase; minus strand). Cytogenetic location: 14q21.3.
Variant type: single nucleotide variant.
Coding change: c.1099T>C on transcript NM_024884.3 (MANE Select); coding-DNA position 1099, T replaced by C.
Protein change: p.Tyr367His; replaces tyrosine 367 with histidine.
Molecular consequence: missense variant.
Genome position (GRCh38, 1-based): chr14:50,265,455, A>G on the plus strand (T>C on the coding strand, the complement: L2HGDH is on the minus strand). VCF-style: chr14-50265455-A-G. GRCh37 (hg19) VCF-style: chr14-50732173-A-G.
Other names: short protein forms Y367H.
Identifiers: ClinVar variation 586107 (VCV000586107.6), dbSNP rs1222573122, ClinGen allele CA389648609.

ClinVar aggregate classification (germline): Uncertain significance. Review status: criteria provided, multiple submitters, no conflicts (2 of 4 stars). 3 submissions from 3 submitters: Uncertain significance (3). Last evaluated 2025-03-18.

Conditions:
Inborn genetic diseases. Identifiers: MedGen C0950123, MeSH D030342.
L-2-hydroxyglutaric aciduria (L2HGA). Identifiers: Orphanet 79314, MedGen C1855995, MONDO:0009370, OMIM 236792, HP:0040144.

Allele frequency attached by ClinVar (database versions not stated): gnomAD exomes below 0.00001; TOPMed 0.00001.
gnomAD v4.1: 1 of 1,613,452 alleles (0.000062%); no homozygotes.

Submissions (3):

Ambry Genetics
Classification: Uncertain significance for Inborn genetic diseases. Last evaluated: 2025-03-18. Review status: criteria provided, single submitter. Criteria: Ambry Variant Classification Scheme 2023. Collection method: clinical testing. Allele origin: germline.

Labcorp Genetics (formerly Invitae), Labcorp
Classification: Uncertain significance for L-2-hydroxyglutaric aciduria. Last evaluated: 2021-11-09. Review status: criteria provided, single submitter. Criteria: Invitae Variant Classification Sherloc (09022015). Collection method: clinical testing. Allele origin: germline.
Comment: In summary, the available evidence is currently insufficient to determine the role of this variant in disease. Therefore, it has been classified as a Variant of Uncertain Significance. Algorithms developed to predict the effect of missense changes on protein structure and function (SIFT, PolyPhen-2, Align-GVGD) all suggest that this variant is likely to be disruptive. ClinVar contains an entry for this variant (Variation ID: 586107). This variant has not been reported in the literature in individuals affected with L2HGDH-related conditions. This variant is present in population databases (no rsID available, gnomAD no frequency). This sequence change replaces tyrosine, which is neutral and polar, with histidine, which is basic and polar, at codon 367 of the L2HGDH protein (p.Tyr367His).

Athena Diagnostics
Classification: Uncertain significance. Last evaluated: 2018-06-05. Review status: criteria provided, single submitter. Criteria: Athena Diagnostics Criteria. Collection method: clinical testing. Allele origin: germline.